The following is an entry in ClinVar:

NM_001130438.3(SPTAN1):c.4199A>T (p.Gln1400Leu)

Gene: SPTAN1 (spectrin alpha, non-erythrocytic 1; plus strand). Cytogenetic location: 9q34.11.
Variant type: single nucleotide variant.
Coding change: c.4199A>T on transcript NM_001130438.3 (MANE Select); coding-DNA position 4199, A replaced by T.
Protein change: p.Gln1400Leu; replaces glutamine 1400 with leucine.
Molecular consequence: missense variant.
Genome position (GRCh38, 1-based): chr9:128,607,904, A>T. VCF-style: chr9-128607904-A-T. GRCh37 (hg19) VCF-style: chr9-131370183-A-T.
Other names: p.Q1400L:CAG>CTG; c.4139A>T, p.Gln1380Leu (NM_001195532.2, NM_001363765.2); c.4199A>T, p.Gln1400Leu (NM_001363759.2, NM_003127.4); short protein forms Q1400L, Q1380L.
Identifiers: ClinVar variation 160012 (VCV000160012.28), dbSNP rs143108250, ClinGen allele CA173568.

ClinVar aggregate classification (germline): Conflicting classifications of pathogenicity. Review status: criteria provided, conflicting classifications (1 of 4 stars). 8 submissions from 8 submitters: Uncertain significance (2); Benign (3); Likely benign (2). 1 of the submissions does not count toward it. Last evaluated 2025-12-08.

Conditions:
Developmental and epileptic encephalopathy, 5 (DEE5). Identifiers: Orphanet 3451, MedGen C3150731, MONDO:0013277, OMIM 613477.
SPTAN1-related disorder. Also called: SPTAN1-related disorders; SPTAN1-related condition.
Early-infantile DEE. Also called: Ohtahara syndrome; Early infantile epileptic encephalopathy; Early infantile epileptic encephalopathy with suppression bursts. Identifiers: Orphanet 1934, MedGen C0393706, MONDO:0800491.
Inborn genetic diseases. Identifiers: MedGen C0950123, MeSH D030342.

Allele frequency attached by ClinVar (database versions not stated): gnomAD exomes 0.00006 and 0.00017; ExAC 0.00024; 1000 Genomes Project 30x 0.00047; 1000 Genomes Project 0.00060; gnomAD 0.00066 and 0.00073; ESP Exome Variant Server 0.00085; TOPMed 0.00085.
gnomAD v4.1: 198 of 1,614,036 alleles (0.012%); highest among the groups gnomAD compares: African/African-American, 0.24%; 1 homozygote.

Submissions (8):

Labcorp Genetics (formerly Invitae), Labcorp
Classification: Likely benign for Early-infantile DEE. Last evaluated: 2025-12-08. Review status: criteria provided, single submitter. Criteria: Invitae Variant Classification Sherloc (09022015). Collection method: clinical testing. Allele origin: germline.

Genome-Nilou Lab
Classification: Benign for Developmental and epileptic encephalopathy, 5. Last evaluated: 2021-07-15. Review status: criteria provided, single submitter. Criteria: ACMG Guidelines, 2015. Collection method: clinical testing. Allele origin: germline. Affected: no.

GeneDx
Classification: Benign. Last evaluated: 2019-02-26. Review status: criteria provided, single submitter. Criteria: GeneDx Variant Classification Process June 2021. Collection method: clinical testing. Allele origin: germline. Affected: yes.

Ambry Genetics
Classification: Benign for Inborn genetic diseases. Last evaluated: 2018-12-28. Review status: criteria provided, single submitter. Criteria: Ambry Variant Classification Scheme 2023. Collection method: clinical testing. Allele origin: germline.

Athena Diagnostics
Classification: Likely benign. Last evaluated: 2018-04-18. Review status: criteria provided, single submitter. Criteria: Athena Diagnostics Criteria. Collection method: clinical testing. Allele origin: germline.

Fulgent Genetics
Classification: Uncertain significance for Developmental and epileptic encephalopathy, 5. Last evaluated: 2017-05-23. Review status: criteria provided, single submitter. Criteria: ACMG Guidelines, 2015. Collection method: clinical testing. Allele origin: unknown.

Genetic Services Laboratory, University of Chicago
Classification: Uncertain significance for Epileptic encephalopathy, early infantile, 5. Last evaluated: 2014-04-21. Review status: criteria provided, single submitter. Criteria: ACMG Guidelines, 2007. Collection method: clinical testing. Allele origin: germline. Inheritance: Autosomal dominant inheritance.

PreventionGenetics, part of Exact Sciences
Classification: Likely benign for SPTAN1-related condition. Last evaluated: 2022-08-10. Review status: no assertion criteria provided. Collection method: clinical testing. Allele origin: germline. Not counted in ClinVar's aggregate classification.
Comment: This variant is classified as likely benign based on ACMG/AMP sequence variant interpretation guidelines (Richards et al. 2015 PMID: 25741868, with internal and published modifications).